The following is an entry in ClinVar:

NM_001386298.1(CIC):c.5116G>A (p.Gly1706Ser)

Gene: CIC (capicua transcriptional repressor; plus strand). Cytogenetic location: 19q13.2.
Variant type: single nucleotide variant.
Coding change: c.5116G>A on transcript NM_001386298.1 (MANE Select); coding-DNA position 5116, G replaced by A.
Protein change: p.Gly1706Ser; replaces glycine 1706 with serine.
Molecular consequence: missense variant.
Genome position (GRCh38, 1-based): chr19:42,291,157, G>A. VCF-style: chr19-42291157-G-A. GRCh37 (hg19) VCF-style: chr19-42795309-G-A.
Other names: c.5116G>A, p.Gly1706Ser (NM_001304815.2, NM_001379480.1, NM_001379482.1); c.2389G>A, p.Gly797Ser (NM_001379484.1, NM_001379485.1, NM_015125.5); short protein forms G797S, G1706S.
Identifiers: ClinVar variation 133904 (VCV000133904.1), dbSNP rs587778200, ClinGen allele CA158126.

ClinVar aggregate classification (germline): not provided (0 of 4 stars; one submission).

Allele frequency attached by ClinVar (database versions not stated): TOPMed below 0.00001; gnomAD 0.00001 and 0.00002; gnomAD exomes 0.00005 and 0.00010; ExAC 0.00008.
gnomAD v4.1: 70 of 1,607,800 alleles (0.0044%); highest among the groups gnomAD compares: South Asian, 0.067%; no homozygotes.

Submission:

ITMI
No classification provided. Condition: AllHighlyPenetrant. Last evaluated: 2013-09-19. Review status: no classification provided. Collection method: reference population. Allele origin: germline.
Comment: Please see associated publication for description of ethnicities

Literature cited by the submitters: PubMed 24728327.